The following is an entry in ClinVar:

ClinVar aggregate classification (germline): Uncertain significance (1 of 4 stars; one submission).

Submission:

Genetic Services Laboratory, University of Chicago
Classification: Uncertain significance. Last evaluated: 2023-09-05. Review status: criteria provided, single submitter. Criteria: ACMG Guidelines, 2015. Collection method: clinical testing. Allele origin: germline. Affected: no.
Comment: DNA sequence analysis of the MSH6 demonstrated a six base pair deletion in exon 3, c.563_568del. This is an in-frame deletion that is predicted to result in the deletion of two amino acid residues, p.Ile188_Lys189del. This deletion does not appear to have been previously described in individuals with MSH6 -related disorders. This deletion has not been described in population databases such as ExAC and gnomAD. The functional significance of this sequence change is not known at present.

NM_000179.3(MSH6):c.563_568del (p.Ile188_Lys189del)

Gene: MSH6 (mutS homolog 6; plus strand). Cytogenetic location: 2p16.3.
Variant type: Deletion.
Coding change: c.563_568del on transcript NM_000179.3 (MANE Select); coding-DNA positions 563 to 568, 6 bases deleted (TTAAGA; older notation c.563_568delTTAAGA).
Protein change: p.Ile188_Lys189del.
Molecular consequence: inframe deletion. On other transcripts: 5 prime UTR variant (2), non-coding transcript variant (5), intron variant (8).
Genome position (GRCh38, 1-based): chr2:47,795,999-47,796,004, TTAAGA deleted; deleting any 6 consecutive bases within chr2:47,795,995-47,796,004 gives the same sequence; the c. name uses the placement nearest the transcript's 3' end. VCF-style (leftmost placement, unchanged base first): chr2-47795994-CAAGATT-C. GRCh37 (hg19) VCF-style: chr2-48023133-CAAGATT-C.
Other names: c.569_574del, p.Ile190_Lys191del (NM_001406813.1); c.-432_-427del (NM_001406814.1); c.563_568del, p.Ile188_Lys189del (NM_001406817.1, NM_001407362.1, NM_001406796.1 and 5 more transcripts); c.266_271del, p.Ile89_Lys90del (NM_001406818.1, NM_001406819.1, NM_001406820.1 and 10 more transcripts); c.395_400del, p.Ile132_Lys133del (NM_001406826.1); c.-340_-335del (NM_001281494.2); c.659_664del, p.Ile220_Lys221del (NM_001406795.1, NM_001406802.1); c.38_43del, p.Ile13_Lys14del (NM_001406799.1, NM_001406806.1, NM_001406807.1); and 3 more.
Identifiers: ClinVar variation 4082468 (VCV004082468.2).
Genomic context (GRCh38, chr2:47,795,994, plus strand): 5'-CAGTGCAAAGCCTGAAATACTGAGAGCAATGCAACGTGCAGATGAAGCCTTAAATAAAGA[CAAGATT>C]AAGAGGCTTGAATTGGCAGTTTGTGATGAGCCCTCAGAGCCAGAAGAGGAAGAAGAGATG-3'